The following is an entry in ClinVar:

ClinVar aggregate classification (germline): Uncertain significance (1 of 4 stars; one submission).

Conditions:
Encephalopathy, acute, infection-induced (herpes-specific), susceptibility to, 1. Also called: Herpes simplex encephalitis, susceptibility to, 1. Identifiers: Orphanet 1930, MedGen C2750180, MONDO:0024563, OMIM 610551.

gnomAD v4.1: 4 of 1,613,548 alleles (0.00025%); highest among the groups gnomAD compares: African/African-American, 0.0013%; no homozygotes.

Submission:

Labcorp Genetics (formerly Invitae), Labcorp
Classification: Uncertain significance for Encephalopathy, acute, infection-induced (herpes-specific), susceptibility to, 1. Last evaluated: 2024-09-22. Review status: criteria provided, single submitter. Criteria: Invitae Variant Classification Sherloc (09022015). Collection method: clinical testing. Allele origin: germline.
Comment: This sequence change replaces threonine, which is neutral and polar, with lysine, which is basic and polar, at codon 391 of the TLR3 protein (p.Thr391Lys). This variant is not present in population databases (gnomAD no frequency). This variant has not been reported in the literature in individuals affected with TLR3-related conditions. An algorithm developed to predict the effect of missense changes on protein structure and function (PolyPhen-2) suggests that this variant is likely to be tolerated. In summary, the available evidence is currently insufficient to determine the role of this variant in disease. Therefore, it has been classified as a Variant of Uncertain Significance.

NM_003265.3(TLR3):c.1172C>A (p.Thr391Lys)

Gene: TLR3 (toll like receptor 3; plus strand). Cytogenetic location: 4q35.1.
Variant type: single nucleotide variant.
Coding change: c.1172C>A on transcript NM_003265.3 (MANE Select); coding-DNA position 1172, C replaced by A.
Protein change: p.Thr391Lys; replaces threonine 391 with lysine.
Molecular consequence: missense variant.
Genome position (GRCh38, 1-based): chr4:186,082,858, C>A. VCF-style: chr4-186082858-C-A. GRCh37 (hg19) VCF-style: chr4-187004012-C-A.
Other names: short protein forms T391K.
Identifiers: ClinVar variation 3676625 (VCV003676625.2).
Genomic context (GRCh38, chr4:186,082,858, plus strand): 5'-AAAGCAATATGTTCACAGGATTGATAAACCTGAAATACTTAAGTCTATCCAACTCCTTTA[C>A]AAGTTTGCGAACTTTGACAAATGAAACATTTGTATCACTTGCTCATTCTCCCTTACACAT-3'
Protein context (NP_003256.1, residues 381-401): LKYLSLSNSF[Thr391Lys]SLRTLTNETF